The following is an entry in ClinVar:

NM_030973.4(MED25):c.1025C>T (p.Ser342Phe)

Gene: MED25 (mediator complex subunit 25; plus strand). Cytogenetic location: 19q13.33.
Variant type: single nucleotide variant.
Coding change: c.1025C>T on transcript NM_030973.4 (MANE Select); coding-DNA position 1025, C replaced by T.
Protein change: p.Ser342Phe; replaces serine 342 with phenylalanine.
Molecular consequence: missense variant.
Genome position (GRCh38, 1-based): chr19:49,830,811, C>T. VCF-style: chr19-49830811-C-T. GRCh37 (hg19) VCF-style: chr19-50334068-C-T.
Other names: c.1025C>T, p.Ser342Phe (NM_001378355.1); short protein forms S342F.
Identifiers: ClinVar variation 640752 (VCV000640752.8), dbSNP rs1600325791, ClinGen allele CA406915238.

ClinVar aggregate classification (germline): Uncertain significance (1 of 4 stars; one submission).

Conditions:
Charcot-Marie-Tooth disease type 2. Also called: Charcot-Marie-Tooth type 2. Identifiers: Orphanet 64746, MedGen C0270914, MONDO:0018993.

Submission:

Labcorp Genetics (formerly Invitae), Labcorp
Classification: Uncertain significance for Charcot-Marie-Tooth disease type 2. Last evaluated: 2018-10-10. Review status: criteria provided, single submitter. Criteria: Invitae Variant Classification Sherloc (09022015). Collection method: clinical testing. Allele origin: germline.
Comment: In summary, the available evidence is currently insufficient to determine the role of this variant in disease. Therefore, it has been classified as a Variant of Uncertain Significance. Algorithms developed to predict the effect of missense changes on protein structure and function are either unavailable or do not agree on the potential impact of this missense change (SIFT: "Deleterious"; PolyPhen-2: "Possibly Damaging"; Align-GVGD: "Class C0"). This variant has not been reported in the literature in individuals with MED25-related disease. This variant is not present in population databases (ExAC no frequency). This sequence change replaces serine with phenylalanine at codon 342 of the MED25 protein (p.Ser342Phe). The serine residue is highly conserved and there is a large physicochemical difference between serine and phenylalanine.